The following is an entry in ClinVar:

ClinVar aggregate classification (germline): Pathogenic. Review status: criteria provided, multiple submitters, no conflicts (2 of 4 stars). 2 submissions from 2 submitters: Pathogenic (2). Last evaluated 2026-09-08.

Conditions:
Fabry disease. Also called: ALPHA-GALACTOSIDASE A DEFICIENCY; ANDERSON-FABRY DISEASE; CERAMIDE TRIHEXOSIDASE DEFICIENCY; GLA DEFICIENCY; HEREDITARY DYSTOPIC LIPIDOSIS; Angiokeratoma corporis diffusum. Identifiers: Orphanet 324, MedGen C0002986, MONDO:0010526, OMIM 301500, HP:0001071. Disease mechanism: Fabry disease is due to inactivating mutations in the X-linked GLA gene resulting in deficiency of the enzyme Alpha Galactosidase-A., loss of function.

Submissions (2):

Genomenon, Inc
Classification: Pathogenic for Fabry disease. Last evaluated: 2026-09-08. Review status: criteria provided, single submitter. Criteria: Genomenon Sequence Variant Interpretation Standards - Updated. Collection method: curation. Allele origin: germline. Affected: yes.
Comment: GLA p.Trp277Ter (c.831G>A) is a nonsense variant that introduces a premature stop codon at amino acid position 277 and is predicted to result in a truncated or absent protein product. This variant has been observed in at least one proband with clinical features consistent with Fabry disease (PMID:39182239;38002959). It is absent or not present at a significant frequency in gnomAD. In conclusion, we classify GLA p.Trp277Ter (c.831G>A) as a pathogenic variant.

Revvity Omics, Revvity
Classification: Pathogenic. Last evaluated: 2023-09-25. Review status: criteria provided, single submitter. Criteria: ACMG Guidelines, 2015. Collection method: clinical testing. Allele origin: germline.

Literature cited by the submitters: PubMed 39182239 (cited by Genomenon, Inc); PubMed 38002959 (cited by Genomenon, Inc).

NM_000169.3(GLA):c.831G>A (p.Trp277Ter)

Genes: GLA (galactosidase alpha; minus strand), RPL36A-HNRNPH2 (RPL36A-HNRNPH2 readthrough; plus strand). Cytogenetic location: Xq22.1.
Variant type: single nucleotide variant.
Coding change: c.831G>A on transcript NM_000169.3 (MANE Select); coding-DNA position 831, G replaced by A.
Protein change: p.Trp277Ter; replaces tryptophan 277 with a stop codon.
Molecular consequence: nonsense. On other transcripts: non-coding transcript variant (3), intron variant (2).
Genome position (GRCh38, 1-based): chrX:101,398,538, C>T on the plus strand (G>A on the coding strand, the complement: GLA is on the minus strand). VCF-style: chrX-101398538-C-T. GRCh37 (hg19) VCF-style: chrX-100653526-C-T.
Other names: c.954G>A, p.Trp318Ter (NM_001406747.1); c.831G>A, p.Trp277Ter (NM_001406748.1); c.300+3081C>T (NM_001199973.2); c.177+6716C>T (NM_001199974.2); short protein forms W277*, W318*.
Identifiers: ClinVar variation 4079387 (VCV004079387.3).